The following is an entry in ClinVar:

ClinVar aggregate classification (germline): Uncertain significance (1 of 4 stars; one submission).

Conditions:
D-2-hydroxyglutaric aciduria 2 (D2HGA2). Identifiers: Orphanet 79315, MedGen C3150909, MONDO:0013345, OMIM 613657.

gnomAD v4.1: 3 of 1,613,908 alleles (0.00019%); highest among the groups gnomAD compares: African/African-American, 0.004%; no homozygotes.

Submission:

Labcorp Genetics (formerly Invitae), Labcorp
Classification: Uncertain significance for D-2-hydroxyglutaric aciduria 2. Last evaluated: 2025-01-15. Review status: criteria provided, single submitter. Criteria: Invitae Variant Classification Sherloc (09022015). Collection method: clinical testing. Allele origin: germline.
Comment: This sequence change replaces lysine, which is basic and polar, with asparagine, which is neutral and polar, at codon 384 of the IDH2 protein (p.Lys384Asn). This variant is not present in population databases (gnomAD no frequency). This variant has not been reported in the literature in individuals affected with IDH2-related conditions. Invitae Evidence Modeling of protein sequence and biophysical properties (such as structural, functional, and spatial information, amino acid conservation, physicochemical variation, residue mobility, and thermodynamic stability) indicates that this missense variant is not expected to disrupt IDH2 protein function with a negative predictive value of 80%. In summary, the available evidence is currently insufficient to determine the role of this variant in disease. Therefore, it has been classified as a Variant of Uncertain Significance.

NM_002168.4(IDH2):c.1152G>C (p.Lys384Asn)

Gene: IDH2 (isocitrate dehydrogenase (NADP(+)) 2; minus strand). Cytogenetic location: 15q26.1.
Variant type: single nucleotide variant.
Coding change: c.1152G>C on transcript NM_002168.4 (MANE Select); coding-DNA position 1152, G replaced by C.
Protein change: p.Lys384Asn; replaces lysine 384 with asparagine.
Molecular consequence: missense variant.
Genome position (GRCh38, 1-based): chr15:90,085,027, C>G on the plus strand (G>C on the coding strand, the complement: IDH2 is on the minus strand). VCF-style: chr15-90085027-C-G. GRCh37 (hg19) VCF-style: chr15-90628259-C-G.
Other names: c.996G>C, p.Lys332Asn (NM_001289910.1); c.762G>C, p.Lys254Asn (NM_001290114.2); short protein forms K332N, K254N, K384N.
Identifiers: ClinVar variation 3674776 (VCV003674776.2).